The following is an entry in ClinVar:

ClinVar aggregate classification (germline): Uncertain significance (1 of 4 stars; one submission).

Conditions:
Early-infantile DEE. Also called: Early infantile epileptic encephalopathy; Early infantile epileptic encephalopathy with suppression bursts; Ohtahara syndrome. Identifiers: Orphanet 1934, MedGen C0393706, MONDO:0800491.

Allele frequency attached by ClinVar (database versions not stated): TOPMed 0.00001; gnomAD exomes below 0.00001.
gnomAD v4.1: 1 of 1,613,668 alleles (0.000062%); highest among the groups gnomAD compares: African/African-American, 0.0013%; no homozygotes.

Submission:

Labcorp Genetics (formerly Invitae), Labcorp
Classification: Uncertain significance for Early-infantile DEE. Last evaluated: 2023-10-10. Review status: criteria provided, single submitter. Criteria: Invitae Variant Classification Sherloc (09022015). Collection method: clinical testing. Allele origin: germline.
Comment: This sequence change replaces arginine, which is basic and polar, with lysine, which is basic and polar, at codon 492 of the HCN1 protein (p.Arg492Lys). This variant is present in population databases (no rsID available, gnomAD 0.01%). This variant has not been reported in the literature in individuals affected with HCN1-related conditions. Advanced modeling of protein sequence and biophysical properties (such as structural, functional, and spatial information, amino acid conservation, physicochemical variation, residue mobility, and thermodynamic stability) performed at Invitae indicates that this missense variant is not expected to disrupt HCN1 protein function. In summary, the available evidence is currently insufficient to determine the role of this variant in disease. Therefore, it has been classified as a Variant of Uncertain Significance.

NM_021072.4(HCN1):c.1475G>A (p.Arg492Lys)

Gene: HCN1 (hyperpolarization activated cyclic nucleotide gated potassium channel 1; minus strand). Cytogenetic location: 5p12.
Variant type: single nucleotide variant.
Coding change: c.1475G>A on transcript NM_021072.4 (MANE Select); coding-DNA position 1475, G replaced by A.
Protein change: p.Arg492Lys; replaces arginine 492 with lysine.
Molecular consequence: missense variant.
Genome position (GRCh38, 1-based): chr5:45,303,742, C>T on the plus strand (G>A on the coding strand, the complement: HCN1 is on the minus strand). VCF-style: chr5-45303742-C-T. GRCh37 (hg19) VCF-style: chr5-45303844-C-T.
Other names: short protein forms R492K.
Identifiers: ClinVar variation 2800939 (VCV002800939.3), dbSNP rs920701498, ClinGen allele CA118283635.